The following is an entry in ClinVar:

NM_001048174.2(MUTYH):c.1156C>T (p.Gln386Ter)

Gene: MUTYH (mutY DNA glycosylase; minus strand). Cytogenetic location: 1p34.1.
Variant type: single nucleotide variant.
Coding change: c.1156C>T on transcript NM_001048174.2 (MANE Select); coding-DNA position 1156, C replaced by T.
Protein change: p.Gln386Ter; replaces glutamine 386 with a stop codon.
Molecular consequence: nonsense. On other transcripts: non-coding transcript variant (2).
Genome position (GRCh38, 1-based): chr1:45,331,503, G>A on the plus strand (C>T on the coding strand, the complement: MUTYH is on the minus strand). VCF-style: chr1-45331503-G-A. GRCh37 (hg19) VCF-style: chr1-45797175-G-A.
Other names: p.Gln386Ter; c.1156C>T (NM_001293195.1); c.1156C>T, p.Gln386Ter (NM_001048171.2, NM_001048173.2, NM_001293195.2); c.1159C>T, p.Gln387Ter (NM_001048172.2); c.1240C>T, p.Gln414Ter (NM_001128425.2); c.1201C>T, p.Gln401Ter (NM_001293190.2); c.1189C>T, p.Gln397Ter (NM_001293191.2); c.880C>T, p.Gln294Ter (NM_001293192.2, NM_001293196.2); and 2 more; short protein forms Q414*, Q401*, Q386*, Q387*, Q397*, Q271*, Q294*, Q411*.
Identifiers: ClinVar variation 406824 (VCV000406824.32), dbSNP rs766420907, ClinGen allele CA055585.
Genomic context (GRCh38, chr1:45,331,503, plus strand): 5'-TGGCTGGGAGGGGCCCAGCCCAACGCTGTAGTTCCTGCAGCAGGGCCTTGCGCTGAAGCT[G>A]CTCTGAGGGCTCCCAGGTCACGGACGGGAACTCCCACAGTCCTGCCAGCAGACCTGAGAG-3'

ClinVar aggregate classification (germline): Pathogenic/Likely pathogenic. Review status: criteria provided, multiple submitters, no conflicts (2 of 4 stars). 11 submissions from 11 submitters: Pathogenic (9); Likely pathogenic (1). 1 of the submissions does not count toward it. Last evaluated 2025-08-04.

Conditions:
Hereditary cancer-predisposing syndrome. Also called: Tumor predisposition; Hereditary Cancer Syndrome; Hereditary neoplastic syndrome; Neoplastic Syndromes, Hereditary. Identifiers: Orphanet 140162, MedGen C0027672, MeSH D009386, MONDO:0015356.
Familial adenomatous polyposis 2. Also called: COLORECTAL ADENOMATOUS POLYPOSIS, AUTOSOMAL RECESSIVE; MUTYH Polyposis; MUTYH-associated polyposis; MUTYH-related attenuated familial adenomatous polyposis; Adenomas, multiple colorectal; ADENOMAS, MULTIPLE COLORECTAL, AUTOSOMAL RECESSIVE. Identifiers: Orphanet 220460, Orphanet 247798, MedGen C3272841, MONDO:0012041, OMIM 608456.

Allele frequency attached by ClinVar (database versions not stated): gnomAD exomes 0.00001 and 0.00006; ExAC 0.00007.
gnomAD v4.1: 25 of 1,614,158 alleles (0.0015%); highest among the groups gnomAD compares: South Asian, 0.023%; 2 homozygotes.

Submissions (11):

KCCC/NGS Laboratory, Kuwait Cancer Control Center
Classification: Pathogenic for Familial adenomatous polyposis 2. Last evaluated: 2025-08-04. Review status: criteria provided, single submitter. Criteria: ACMG Guidelines, 2015. Collection method: clinical testing. Allele origin: germline. Inheritance: Autosomal recessive inheritance. Affected: no. Observed: 1 heterozygote.
Comment: This sequence change creates a premature translational stop signal (p.Gln414*) in the MUTYH gene. It is expected to result in an absent or disrupted protein product.

Labcorp Genetics (formerly Invitae), Labcorp
Classification: Pathogenic for Familial adenomatous polyposis 2. Last evaluated: 2024-08-06. Review status: criteria provided, single submitter. Criteria: Invitae Variant Classification Sherloc (09022015). Collection method: clinical testing. Allele origin: germline.
Comment: This sequence change creates a premature translational stop signal (p.Gln414*) in the MUTYH gene. It is expected to result in an absent or disrupted protein product. Loss-of-function variants in MUTYH are known to be pathogenic (PMID: 18534194, 20663686). This variant is present in population databases (rs766420907, gnomAD 0.04%), including at least one homozygous and/or hemizygous individual. This premature translational stop signal has been observed in individual(s) with polyposis and colorectal cancer (PMID: 27705013). ClinVar contains an entry for this variant (Variation ID: 406824). For these reasons, this variant has been classified as Pathogenic.

All of Us Research Program, National Institutes of Health
Classification: Pathogenic for Familial adenomatous polyposis 2. Last evaluated: 2023-12-18. Review status: criteria provided, single submitter. Criteria: ACMG Guidelines, 2015. Collection method: clinical testing. Allele origin: germline. Inheritance: Autosomal recessive inheritance. Observed: 1 variant allele, 1 heterozygote.
Comment: This variant changes 1 nucleotide in exon 13 of the MUTYH gene, creating a premature translation stop signal. This variant is expected to result in an absent or non-functional protein product. This variant has been reported in a biallelic individual affected with MUTYH-associated polyposis (PMID: 27705013) and an individual affected with advanced cancer (PMID: 28873162). This variant has been identified in 15/251006 chromosomes in the general population by the Genome Aggregation Database (gnomAD). Loss of MUTYH function is a known mechanism of disease. Based on the available evidence, this variant is classified as Pathogenic.

This study involves interpretation of variants in research participants for the purpose of population health screening. Participant phenotype was not available at the time of variant classification. Additional details can be found in publication PMID: 35346344, PMCID: PMC8962531

Color Diagnostics, LLC DBA Color Health
Classification: Pathogenic for Hereditary cancer-predisposing syndrome. Last evaluated: 2023-11-27. Review status: criteria provided, single submitter. Criteria: ACMG Guidelines, 2015. Collection method: clinical testing. Allele origin: germline.
Comment: This variant changes 1 nucleotide in exon 13 of the MUTYH gene, creating a premature translation stop signal. This variant is expected to result in an absent or non-functional protein product. This variant has been reported in a biallelic individual affected with MUTYH-associated polyposis (PMID: 27705013) and an individual affected with advanced cancer (PMID: 28873162). This variant has been identified in 15/251006 chromosomes in the general population by the Genome Aggregation Database (gnomAD). Loss of MUTYH function is a known mechanism of disease. Based on the available evidence, this variant is classified as Pathogenic.

Baylor Genetics
Classification: Pathogenic for Familial adenomatous polyposis 2. Last evaluated: 2023-10-16. Review status: criteria provided, single submitter. Criteria: ACMG Guidelines, 2015. Collection method: clinical testing. Allele origin: unknown.

Revvity Omics, Revvity
Classification: Likely pathogenic for Familial adenomatous polyposis 2. Last evaluated: 2023-05-18. Review status: criteria provided, single submitter. Criteria: ACMG Guidelines, 2015. Collection method: clinical testing. Allele origin: germline.

Foundation for Research in Genetics and Endocrinology, FRIGE's Institute of Human Genetics
Classification: Pathogenic for Familial adenomatous polyposis 2. Last evaluated: 2022-12-19. Review status: criteria provided, single submitter. Criteria: ACMG Guidelines, 2015. Collection method: clinical testing. Allele origin: germline. Inheritance: Autosomal recessive inheritance. Affected: yes. Observed: 1 heterozygote.
Comment: A heterozygous nonsense variation in exon 13 of the MUTYH gene that results in a stop codon and premature truncation of the protein at codon 386 (p.Gln386Ter) was detected. This variant has not been reported in the 1000 genomes and gnomAD databases. The in silico predictions of the variant are probably damaging by MutationTaster2 tool. The reference codon is conserved across mammals.

Ambry Genetics
Classification: Pathogenic for Hereditary cancer-predisposing syndrome. Last evaluated: 2022-11-30. Review status: criteria provided, single submitter. Criteria: Ambry Variant Classification Scheme 2023. Collection method: clinical testing. Allele origin: germline.
Comment: The p.Q414* pathogenic mutation (also known as c.1240C>T), located in coding exon 13 of the MUTYH gene, results from a C to T substitution at nucleotide position 1240. This changes the amino acid from a glutamine to a stop codon within coding exon 13. In addition to the clinical data presented in the literature, this alteration is expected to result in loss of function by premature protein truncation or nonsense-mediated mRNA decay. As such, this alteration is interpreted as a disease-causing mutation.

Mendelics
Classification: Pathogenic for Familial adenomatous polyposis 2. Last evaluated: 2022-05-04. Review status: criteria provided, single submitter. Criteria: Mendelics Assertion Criteria 2019. Collection method: clinical testing. Allele origin: germline.

Sema4
Classification: Pathogenic for Hereditary cancer-predisposing syndrome. Last evaluated: 2022-01-25. Review status: criteria provided, single submitter. Criteria: Sema4 Curation Guidelines. Collection method: curation. Allele origin: germline.
Comment: The MUTYH c.1240C>T (p.Q414X) variant has been reported as homozygous and compound heterozygous in at least two individuals with MUTYH-associated polyposis (PMID: 27705013, 28790112). It has also been reported in heterozygosity in several individuals with colorectal polyps/cancer, prostate cancer, and adrenocortical carcinoma, as well as in healthy controls (PMID: 30093976, 33194656, 31350202, 32338768, 28873162, 33471991). This nonsense variant creates a premature stop codon at residue 414 of the MUTYH protein. At this location, this variant is predicted to cause loss of normal protein function either through protein truncation or nonsense-mediated mRNA decay. Loss of function of the MUTYH gene is an established disease mechanism (PMID: 18534194). This variant was observed in 15/30614 chromosomes in the South Asian population, with two homozygotes, according to the Genome Aggregation Database (PMID: 32461654). This variant has been reported in ClinVar (Variation ID: 406824). Based on the current evidence available, this variant is interpreted as pathogenic.

Department of Pathology and Laboratory Medicine, Sinai Health System
Classification: Pathogenic for Familial adenomatous polyposis 2. Review status: no assertion criteria provided. Collection method: clinical testing. Allele origin: unknown. Affected: yes. Study: The Canadian Open Genetics Repository (COGR). Not counted in ClinVar's aggregate classification.
Comment: The MUTYH p.Gln414X variant was not identified in the literature nor was it identified in the dbSNP, NHLBI Exome Sequencing Project (Exome Variant Server), HGMD, COSMIC, MutDB, â€šÃ„ÃºZhejiang Colon Cancer Databaseâ€šÃ„Ã¹, or ClinVar database. The variant was identified in UMD (5X, but is unvalidated), and in the â€šÃ„ÃºInSiGHT Colon Cancer Databaseâ€šÃ„Ã¹. The p.Gln414X variant leads to a premature stop codon at position 414, which is predicted to lead to a truncated or absent protein and loss of function. Loss of function variants in the MUTYH gene are an established mechanism of disease in MUTYH-associated polyposis. In summary, based on the above information, this variant meets our laboratoryâ€šÃ„Ã´s criteria to be classified as pathogenic.

Literature cited by the submitters: PubMed 18534194 (cited by Labcorp Genetics (formerly Invitae), Labcorp and Sema4); PubMed 20663686 (cited by Labcorp Genetics (formerly Invitae), Labcorp); PubMed 27705013 (cited by 5 submitters); PubMed 28873162 (cited by 3 submitters); PubMed 28790112 (cited by Sema4); PubMed 30093976 (cited by Sema4); PubMed 33194656 (cited by Sema4); PubMed 31350202 (cited by Sema4); PubMed 32338768 (cited by Sema4); PubMed 33471991 (cited by Sema4).